The following is an entry in ClinVar:

NM_002519.3(NPAT):c.3365C>T (p.Pro1122Leu)

Gene: NPAT (nuclear protein, coactivator of histone transcription; minus strand). Cytogenetic location: 11q22.3.
Variant type: single nucleotide variant.
Coding change: c.3365C>T on transcript NM_002519.3 (MANE Select); coding-DNA position 3365, C replaced by T.
Protein change: p.Pro1122Leu; replaces proline 1122 with leucine.
Molecular consequence: missense variant.
Genome position (GRCh38, 1-based): chr11:108,161,721, G>A on the plus strand (C>T on the coding strand, the complement: NPAT is on the minus strand). VCF-style: chr11-108161721-G-A. GRCh37 (hg19) VCF-style: chr11-108032448-G-A.
Other names: c.3386C>T, p.Pro1129Leu (NM_001321307.1); short protein forms P1122L, P1129L.
Identifiers: ClinVar variation 1730654 (VCV001730654.4), dbSNP rs200958886, ClinGen allele CA6263594.

ClinVar aggregate classification (germline): Uncertain significance. Review status: criteria provided, multiple submitters, no conflicts (2 of 4 stars). 2 submissions from 2 submitters: Uncertain significance (2). Last evaluated 2025-01-20.

Allele frequency attached by ClinVar (database versions not stated): gnomAD exomes below 0.00001; ExAC 0.00001; TOPMed 0.00002; gnomAD 0.00003; 1000 Genomes Project 30x 0.00016; 1000 Genomes Project 0.00020.
gnomAD v4.1: 8 of 1,613,760 alleles (0.0005%); highest among the groups gnomAD compares: African/African-American, 0.0093%; no homozygotes.

Submissions (2):

Labcorp Genetics (formerly Invitae), Labcorp
Classification: Uncertain significance. Last evaluated: 2025-01-20. Review status: criteria provided, single submitter. Criteria: Invitae Variant Classification Sherloc (09022015). Collection method: clinical testing. Allele origin: germline.
Comment: This sequence change replaces proline, which is neutral and non-polar, with leucine, which is neutral and non-polar, at codon 1122 of the NPAT protein (p.Pro1122Leu). This variant is present in population databases (rs200958886, gnomAD 0.02%). This variant has not been reported in the literature in individuals affected with NPAT-related conditions. ClinVar contains an entry for this variant (Variation ID: 1730654). An algorithm developed to predict the effect of missense changes on protein structure and function outputs the following: PolyPhen-2: "Benign". The leucine amino acid residue is found in multiple mammalian species, which suggests that this missense change does not adversely affect protein function. In summary, the available evidence is currently insufficient to determine the role of this variant in disease. Therefore, it has been classified as a Variant of Uncertain Significance.

Ambry Genetics
Classification: Uncertain significance. Last evaluated: 2024-02-01. Review status: criteria provided, single submitter. Criteria: Ambry Variant Classification Scheme 2023. Collection method: clinical testing. Allele origin: germline.
Comment: The p.P1122L variant (also known as c.3365C>T), located in coding exon 17 of the NPAT gene, results from a C to T substitution at nucleotide position 3365. The proline at codon 1122 is replaced by leucine, an amino acid with similar properties. This amino acid position is conserved. In addition, this alteration is predicted to be tolerated by in silico analysis. Since supporting evidence is limited at this time, the clinical significance of this alteration remains unclear.